The following is an entry in ClinVar:

NM_005327.7(HADH):c.419+39del

Gene: HADH (hydroxyacyl-CoA dehydrogenase; plus strand). Cytogenetic location: 4q25.
Variant type: Deletion.
Coding change: c.419+39del on transcript NM_005327.7 (MANE Select); 39 bases into the intron after coding-DNA position 419, one base deleted (T; older notation c.419+39delT).
Molecular consequence: intron variant.
Genome position (GRCh38, 1-based): chr4:108,014,627, T deleted; the last of 15 consecutive T bases (chr4:108,014,613-108,014,627); deleting any one gives the same sequence. VCF-style (leftmost placement, unchanged base first): chr4-108014612-CT-C. GRCh37 (hg19) VCF-style: chr4-108935768-CT-C.
Other names: p.?; c.419+39del (NM_001184705.4, NM_005327.5); c.431+39del (NM_001331027.2).
Identifiers: ClinVar variation 435392 (VCV000435392.8), dbSNP rs550348868, ClinGen allele CA3037456.

ClinVar aggregate classification (germline): Conflicting classifications of pathogenicity. Review status: criteria provided, conflicting classifications (1 of 4 stars). 3 submissions from 3 submitters: Uncertain significance (1); Benign (1); Likely benign (1). Last evaluated 2025-12-15.

Conditions:
Hyperinsulinemic hypoglycemia. Also called: Hyperinsulinemic hypoglycemia (disease); Hyperinsulinemia hypoglycemia. Identifiers: Orphanet 443095, MedGen C1864903, MONDO:0005803, HP:0000825.

Submissions (3):

Mayo Clinic Laboratories, Mayo Clinic
Classification: Benign. Last evaluated: 2025-12-15. Review status: criteria provided, single submitter. Criteria: ACMG Guidelines, 2015. Collection method: clinical testing. Allele origin: germline. Observed: 30 variant alleles.
Comment: BA1

Genetic Services Laboratory, University of Chicago
Classification: Likely benign. Last evaluated: 2016-04-29. Review status: criteria provided, single submitter. Criteria: ACMG Guidelines, 2015. Collection method: clinical testing. Allele origin: germline. Affected: no.

Clinical Genomics, Uppaluri K&H Personalized Medicine Clinic
Classification: Uncertain significance for Hyperinsulinemic hypoglycemia. Review status: criteria provided, single submitter. Criteria: K & H Uppaluri Personalized Medicine Clinic Variant Classification & Assertion Criteria_Updated V.1. Collection method: research. Allele origin: unknown. Inheritance: Autosomal recessive inheritance.
Comment: Potent mutations in HADH gene are associated with congenital hyperinsulinism, which leads to recurrent hypoglycemia. The condition is exacerbated by stress, fasting or excessive dietary protein. May respond well to diazoxide. However, the role of this particular variant rs550348868 in congenital hyperinsulinism is yet to be ascertained.

Literature cited by the submitters: PubMed 34547194 (cited by Clinical Genomics, Uppaluri K&H Personalized Medicine Clinic); PubMed 34055426 (cited by Clinical Genomics, Uppaluri K&H Personalized Medicine Clinic); PubMed 29280746 (cited by Clinical Genomics, Uppaluri K&H Personalized Medicine Clinic).